The following is an entry in ClinVar:

NM_148962.5(OXER1):c.978G>C (p.Gln326His)

Gene: OXER1 (oxoeicosanoid receptor 1; minus strand). Cytogenetic location: 2p21.
Variant type: single nucleotide variant.
Coding change: c.978G>C on transcript NM_148962.5 (MANE Select); coding-DNA position 978, G replaced by C.
Protein change: p.Gln326His; replaces glutamine 326 with histidine.
Molecular consequence: missense variant.
Genome position (GRCh38, 1-based): chr2:42,763,085, C>G on the plus strand (G>C on the coding strand, the complement: OXER1 is on the minus strand). VCF-style: chr2-42763085-C-G. GRCh37 (hg19) VCF-style: chr2-42990225-C-G.
Other names: short protein forms Q326H.
Identifiers: ClinVar variation 3341549 (VCV003341549.16).

ClinVar aggregate classification (germline): Likely benign (1 of 4 stars; one submission).

Submission:

CeGaT Center for Human Genetics Tuebingen
Classification: Likely benign. Last evaluated: 2024-08-01. Review status: criteria provided, single submitter. Criteria: CeGaT Center For Human Genetics Tuebingen Variant Classification Criteria Version 2. Collection method: clinical testing. Allele origin: germline. Affected: yes. Observed: 1 variant allele.
Comment: OXER1: BP4, BS2